The following is an entry in ClinVar:

NM_000327.4(ROM1):c.577C>T (p.Arg193Trp)

Gene: ROM1 (retinal outer segment membrane protein 1; plus strand). Cytogenetic location: 11q12.3.
Variant type: single nucleotide variant.
Coding change: c.577C>T on transcript NM_000327.4 (MANE Select); coding-DNA position 577, C replaced by T.
Protein change: p.Arg193Trp; replaces arginine 193 with tryptophan.
Molecular consequence: missense variant.
Genome position (GRCh38, 1-based): chr11:62,613,858, C>T. VCF-style: chr11-62613858-C-T. GRCh37 (hg19) VCF-style: chr11-62381330-C-T.
Other names: short protein forms R193W.
Identifiers: ClinVar variation 1354462 (VCV001354462.8), dbSNP rs754473229, ClinGen allele CA6049770.
Genomic context (GRCh38, chr11:62,613,858, plus strand): 5'-GGGTACAAGGATTGGTTTGGGGTCCAGTGGGTCAGCAGCCGTTACCTGGATCCCGGTGAC[C>T]GGGATGTGGCTGAGTGAGTGATTTGCGTCTCCCTTCCTCCTCCTCCTCCTCCCTGGACAG-3'
Protein context (NP_000318.2, residues 183-203): VSSRYLDPGD[Arg193Trp]DVADRIQSNV

ClinVar aggregate classification (germline): Uncertain significance (1 of 4 stars; one submission).

Allele frequency attached by ClinVar (database versions not stated): gnomAD 0.00001.

Submission:

Labcorp Genetics (formerly Invitae), Labcorp
Classification: Uncertain significance. Last evaluated: 2025-03-04. Review status: criteria provided, single submitter. Criteria: Invitae Variant Classification Sherloc (09022015). Collection method: clinical testing. Allele origin: germline.
Comment: This sequence change replaces arginine, which is basic and polar, with tryptophan, which is neutral and slightly polar, at codon 193 of the ROM1 protein (p.Arg193Trp). This variant is present in population databases (rs754473229, gnomAD 0.004%). This variant has not been reported in the literature in individuals affected with ROM1-related conditions. ClinVar contains an entry for this variant (Variation ID: 1354462). Invitae Evidence Modeling of protein sequence and biophysical properties (such as structural, functional, and spatial information, amino acid conservation, physicochemical variation, residue mobility, and thermodynamic stability) indicates that this missense variant is not expected to disrupt ROM1 protein function with a negative predictive value of 80%. In summary, the available evidence is currently insufficient to determine the role of this variant in disease. Therefore, it has been classified as a Variant of Uncertain Significance.